The following is an entry in ClinVar:

NM_020166.5(MCCC1):c.1614G>A (p.Ser538=)

Gene: MCCC1 (methylcrotonyl-CoA carboxylase subunit 1; minus strand). Cytogenetic location: 3q27.1.
Variant type: single nucleotide variant.
Coding change: c.1614G>A on transcript NM_020166.5 (MANE Select); coding-DNA position 1614, G replaced by A.
Protein change: p.Ser538=; no amino-acid change (serine 538 retained).
Molecular consequence: synonymous variant. On other transcripts: non-coding transcript variant (2).
Genome position (GRCh38, 1-based): chr3:183,034,058, C>T on the plus strand (G>A on the coding strand, the complement: MCCC1 is on the minus strand). VCF-style: chr3-183034058-C-T. GRCh37 (hg19) VCF-style: chr3-182751846-C-T.
Other names: c.1263G>A, p.Ser421= (NM_001293273.2); c.1287G>A, p.Ser429= (NM_001363880.1).
Identifiers: ClinVar variation 167268 (VCV000167268.47), dbSNP rs34749281, ClinGen allele CA180177.

ClinVar aggregate classification (germline): Benign/Likely benign. Review status: criteria provided, multiple submitters, no conflicts (2 of 4 stars). 9 submissions from 9 submitters: Benign (6); Likely benign (2). 1 of the submissions does not count toward it. Last evaluated 2026-02-04.

Conditions:
Methylcrotonyl-CoA carboxylase deficiency. Also called: Deficiency of methylcrotonoyl-CoA carboxylase; 3-MCC Deficiency; 3 Methylcrotonylglycinuria. Identifiers: Orphanet 6, MedGen C4551505, MONDO:0018950.
3-methylcrotonyl-CoA carboxylase 1 deficiency (MCC1D). Also called: MCCD TYPE 1; METHYLCROTONYLGLYCINURIA TYPE I; MCC 1 deficiency; 3 Alpha methylcrotonylglycinuria 1. Identifiers: Orphanet 6, MedGen CN028786, MONDO:0008861, OMIM 210200.

Allele frequency attached by ClinVar (database versions not stated): 1000 Genomes Project 0.00639; 1000 Genomes Project 30x 0.00656; gnomAD 0.01175 and 0.01204; ExAC 0.01176; TOPMed 0.01183; gnomAD exomes 0.01202; ESP Exome Variant Server 0.01399.
gnomAD v4.1: 23,632 of 1,609,446 alleles (1.5%); highest among the groups gnomAD compares: Middle Eastern, 1.7%; 221 homozygotes.

Submissions (9):

Labcorp Genetics (formerly Invitae), Labcorp
Classification: Benign for 3-methylcrotonyl-CoA carboxylase 1 deficiency. Last evaluated: 2026-02-04. Review status: criteria provided, single submitter. Criteria: Invitae Variant Classification Sherloc (09022015). Collection method: clinical testing. Allele origin: germline.

CeGaT Center for Human Genetics Tuebingen
Classification: Benign. Last evaluated: 2023-01-01. Review status: criteria provided, single submitter. Criteria: CeGaT Center For Human Genetics Tuebingen Variant Classification Criteria Version 2. Collection method: clinical testing. Allele origin: germline. Affected: yes. Observed: 4 variant alleles.
Comment: MCCC1: BP4, BP7, BS1, BS2

Genome-Nilou Lab
Classification: Benign for 3-methylcrotonyl-CoA carboxylase 1 deficiency. Last evaluated: 2021-05-18. Review status: criteria provided, single submitter. Criteria: ACMG Guidelines, 2015. Collection method: clinical testing. Allele origin: germline. Affected: no.

Illumina Laboratory Services, Illumina
Classification: Likely benign for 3-methylcrotonyl-CoA carboxylase 1 deficiency. Last evaluated: 2018-01-13. Review status: criteria provided, single submitter. Criteria: ICSL Variant Classification Criteria 13 December 2019. Collection method: clinical testing. Allele origin: germline.
Comment: This variant was observed in the ICSL laboratory as part of a predisposition screen in an ostensibly healthy population. It had not been previously curated by ICSL or reported in the Human Gene Mutation Database (HGMD: prior to June 1st, 2018), and was therefore a candidate for classification through an automated scoring system. Utilizing variant allele frequency, disease prevalence and penetrance estimates, and inheritance mode, an automated score was calculated to assess if this variant is too frequent to cause the disease. Based on the score and internal cut-off values, a variant classified as likely benign is not then subjected to further curation. The score for this variant resulted in a classification of likely benign for this disease.

GeneDx
Classification: Benign. Last evaluated: 2017-01-27. Review status: criteria provided, single submitter. Criteria: GeneDx Variant Classification (06012015). Collection method: clinical testing. Allele origin: germline. Affected: yes.
Comment: This variant is considered likely benign or benign based on one or more of the following criteria: it is a conservative change, it occurs at a poorly conserved position in the protein, it is predicted to be benign by multiple in silico algorithms, and/or has population frequency not consistent with disease.

Eurofins Ntd Llc (ga)
Classification: Benign. Last evaluated: 2014-01-14. Review status: criteria provided, single submitter. Criteria: EGL Classification Definitions 2015. Collection method: clinical testing. Allele origin: germline. Observed: 4 variant alleles, 4 heterozygotes.

Breakthrough Genomics
Classification: Likely benign. Review status: criteria provided, single submitter. Criteria: ACMG Guidelines, 2015. Collection method: not provided. Allele origin: germline. Inheritance: Autosomal recessive inheritance. Affected: yes.

PreventionGenetics, part of Exact Sciences
Classification: Benign. Review status: criteria provided, single submitter. Criteria: ACMG Guidelines, 2015. Collection method: clinical testing. Allele origin: germline.

Natera, Inc.
Classification: Benign for 3-methylcrotonylglycinuria. Last evaluated: 2020-09-16. Review status: no assertion criteria provided. Collection method: clinical testing. Allele origin: germline. Not counted in ClinVar's aggregate classification.